The following is an entry in ClinVar:

ClinVar aggregate classification (germline): Likely pathogenic (1 of 4 stars; one submission).

Submission:

GeneDx
Classification: Likely pathogenic. Last evaluated: 2023-09-26. Review status: criteria provided, single submitter. Criteria: GeneDx Variant Classification Process June 2021. Collection method: clinical testing. Allele origin: germline. Affected: yes.
Comment: Nonsense variant predicted to result in protein truncation, as the last 36 amino acids are lost, and other loss-of-function variants have been reported downstream in HGMD; Not observed at significant frequency in large population cohorts (gnomAD); Has not been previously published as pathogenic or benign to our knowledge

NM_005378.6(MYCN):c.1287T>G (p.Tyr429Ter)

Gene: MYCN (MYCN proto-oncogene, bHLH transcription factor; plus strand). Cytogenetic location: 2p24.3.
Variant type: single nucleotide variant.
Coding change: c.1287T>G on transcript NM_005378.6 (MANE Select); coding-DNA position 1287, T replaced by G.
Protein change: p.Tyr429Ter; replaces tyrosine 429 with a stop codon.
Molecular consequence: nonsense. On other transcripts: 3 prime UTR variant (1).
Genome position (GRCh38, 1-based): chr2:15,945,989, T>G. VCF-style: chr2-15945989-T-G. GRCh37 (hg19) VCF-style: chr2-16086111-T-G.
Other names: c.1287T>G, p.Tyr429Ter (NM_001293228.2); c.654T>G, p.Tyr218Ter (NM_001293231.2); c.*1222T>G (NM_001293233.2); short protein forms Y218*, Y429*.
Identifiers: ClinVar variation 2581740 (VCV002581740.1), dbSNP rs2527938946, ClinGen allele CA345932683.